The following is an entry in ClinVar:

NM_002578.5(PAK3):c.1384T>A (p.Tyr462Asn)

Gene: PAK3 (p21 (RAC1) activated kinase 3; plus strand). Cytogenetic location: Xq23.
Variant type: single nucleotide variant.
Coding change: c.1384T>A on transcript NM_002578.5 (MANE Select); coding-DNA position 1384, T replaced by A.
Protein change: p.Tyr462Asn; replaces tyrosine 462 with asparagine.
Molecular consequence: missense variant. On other transcripts: non-coding transcript variant (2).
Genome position (GRCh38, 1-based): chrX:111,196,617, T>A. VCF-style: chrX-111196617-T-A. GRCh37 (hg19) VCF-style: chrX-110439845-T-A.
Other names: c.1384T>A, p.Tyr462Asn (NM_001128166.3, NM_001128167.3, NM_001324325.2 and 5 more transcripts); c.1492T>A, p.Tyr498Asn (NM_001128168.3); c.1447T>A, p.Tyr483Asn (NM_001128172.2); c.1429T>A, p.Tyr477Asn (NM_001128173.3, NM_001324327.2, NM_001324328.2 and 2 more transcripts); short protein forms Y462N, Y477N, Y483N, Y498N.
Identifiers: ClinVar variation 5018647 (VCV005018647.2).

ClinVar aggregate classification (germline): Uncertain significance (1 of 4 stars; one submission).

Conditions:
Intellectual developmental disorder, X-linked 30. Also called: MENTAL RETARDATION, X-LINKED 47; Intellectual disability, X-linked 30. Identifiers: Orphanet 777, MedGen C0796237, MONDO:0010361, OMIM 300558.

Submission:

Juno Genomics, Hangzhou Juno Genomics, Inc
Classification: Uncertain significance for Intellectual developmental disorder, X-linked 30. Review status: criteria provided, single submitter. Criteria: ACMG Guidelines, 2015. Collection method: clinical testing. Allele origin: germline.
Comment: Absent from controls (or at extremely low frequency if recessive) in Genome Aggregation Database.;Located in a mutational hot spot and/or critical and well-established functional domain without benign variation.